The following is an entry in ClinVar:

NM_001844.5(COL2A1):c.1679G>C (p.Arg560Pro)

Gene: COL2A1 (collagen type II alpha 1 chain; minus strand). Cytogenetic location: 12q13.11.
Variant type: single nucleotide variant.
Coding change: c.1679G>C on transcript NM_001844.5 (MANE Select); coding-DNA position 1679, G replaced by C.
Protein change: p.Arg560Pro; replaces arginine 560 with proline.
Molecular consequence: missense variant.
Genome position (GRCh38, 1-based): chr12:47,985,729, C>G on the plus strand (G>C on the coding strand, the complement: COL2A1 is on the minus strand). VCF-style: chr12-47985729-C-G. GRCh37 (hg19) VCF-style: chr12-48379512-C-G.
Other names: c.1472G>C, p.Arg491Pro (NM_033150.3); short protein forms R491P, R560P.
Identifiers: ClinVar variation 1202957 (VCV001202957.11), dbSNP rs1186241291, ClinGen allele CA384551314.

ClinVar aggregate classification (germline): Uncertain significance. Review status: criteria provided, multiple submitters, no conflicts (2 of 4 stars). 3 submissions from 3 submitters: Uncertain significance (3). Last evaluated 2025-04-18.

Conditions:
Achondrogenesis type II (ACG2). Also called: CHONDROGENESIS IMPERFECTA; ACHONDROGENESIS, LANGER-SALDINO TYPE. Identifiers: Orphanet 932, Orphanet 93296, MedGen C0220685, MONDO:0008702, OMIM 200610.
Spondyloepiphyseal dysplasia with metatarsal shortening. Also called: Pseudorheumatoid dysplasia progressive, with hypoplastic toes; CZECH DYSPLASIA, METATARSAL TYPE; SPONDYLOEPIPHYSEAL DYSPLASIA WITH PRECOCIOUS OSTEOARTHRITIS. Identifiers: Orphanet 137678, MedGen C1836683, MONDO:0012206, OMIM 609162.
Spondyloepimetaphyseal dysplasia, Strudwick type (SEMDSTWK). Also called: DAPPLED METAPHYSIS SYNDROME; STRUDWICK SYNDROME. Identifiers: Orphanet 93346, MedGen C0700635, MONDO:0008476, OMIM 184250.
Kniest dysplasia. Identifiers: Orphanet 485, MedGen C0265279, MONDO:0007987, OMIM 156550.
Stickler syndrome type 1 (STL1). Also called: STICKLER SYNDROME, MEMBRANOUS VITREOUS TYPE; STICKLER SYNDROME, VITREOUS TYPE 1; COL2A1-Related Stickler Syndrome; ARTHROOPHTHALMOPATHY, HEREDITARY PROGRESSIVE. Identifiers: Orphanet 828, Orphanet 90653, MedGen C2020284, MONDO:0007160, OMIM 108300.
Spondyloepiphyseal dysplasia congenita (SEDC). Also called: SPONDYLOEPIPHYSEAL DYSPLASIA, CONGENITAL TYPE; SED CONGENITA. Identifiers: Orphanet 94068, MedGen C2745959, MONDO:0008471, OMIM 183900.
Platyspondylic dysplasia, Torrance type (PLSDT). Identifiers: Orphanet 85166, MedGen C1835437, MONDO:0007895, OMIM 151210.
Hypochondrogenesis. Identifiers: Orphanet 93297, MedGen C0542428, MONDO:0019669.
Inborn genetic diseases. Identifiers: MedGen C0950123, MeSH D030342.

Allele frequency attached by ClinVar (database versions not stated): TOPMed below 0.00001; gnomAD 0.00001.
gnomAD v4.1: 5 of 1,613,746 alleles (0.00031%); highest among the groups gnomAD compares: Non-Finnish European, 0.00042%; no homozygotes.

Submissions (3):

Ambry Genetics
Classification: Uncertain significance for Inborn genetic diseases. Last evaluated: 2025-04-18. Review status: criteria provided, single submitter. Criteria: Ambry Variant Classification Scheme 2023. Collection method: clinical testing. Allele origin: germline.

Labcorp Genetics (formerly Invitae), Labcorp
Classification: Uncertain significance. Last evaluated: 2022-10-17. Review status: criteria provided, single submitter. Criteria: Invitae Variant Classification Sherloc (09022015). Collection method: clinical testing. Allele origin: germline.
Comment: In summary, the available evidence is currently insufficient to determine the role of this variant in disease. Therefore, it has been classified as a Variant of Uncertain Significance. Algorithms developed to predict the effect of missense changes on protein structure and function (SIFT, PolyPhen-2, Align-GVGD) all suggest that this variant is likely to be disruptive. ClinVar contains an entry for this variant (Variation ID: 1202957). This variant has not been reported in the literature in individuals affected with COL2A1-related conditions. This variant is not present in population databases (gnomAD no frequency). This sequence change replaces arginine, which is basic and polar, with proline, which is neutral and non-polar, at codon 560 of the COL2A1 protein (p.Arg560Pro).

GeneDx
Classification: Uncertain significance. Last evaluated: 2019-10-30. Review status: criteria provided, single submitter. Criteria: GeneDx Variant Classification Process June 2021. Collection method: clinical testing. Allele origin: germline. Affected: yes.
Comment: Not observed in large population cohorts (Lek et al., 2016); In silico analysis, which includes protein predictors and evolutionary conservation, supports a deleterious effect; Has not been previously published as pathogenic or benign to our knowledge